The following is an entry in ClinVar:

ClinVar aggregate classification (germline): Uncertain significance. Review status: criteria provided, multiple submitters, no conflicts (2 of 4 stars). 2 submissions from 2 submitters: Uncertain significance (2). Last evaluated 2025-12-03.

Conditions:
Myofibrillar myopathy 5. Also called: Filaminopathy (type); FILAMINOPATHY, AUTOSOMAL DOMINANT. Identifiers: Orphanet 171445, MedGen C1836050, MONDO:0012289, OMIM 609524.
Distal myopathy with posterior leg and anterior hand involvement. Also called: WILLIAMS DISTAL MYOPATHY. Identifiers: Orphanet 63273, MedGen C3279722, MONDO:0013550, OMIM 614065.
Hypertrophic cardiomyopathy 26. Also called: Cardiomyopathy, familial hypertrophic, 26. Identifiers: Orphanet 75249, MedGen C4310749, MONDO:0014883, OMIM 617047.
Cardiovascular phenotype. Identifiers: MedGen CN230736.

Allele frequency attached by ClinVar (database versions not stated): gnomAD exomes below 0.00001.
gnomAD v4.1: 1 of 1,614,150 alleles (0.000062%); highest among the groups gnomAD compares: Non-Finnish European, 0.000085%; no homozygotes.

Submissions (2):

Ambry Genetics
Classification: Uncertain significance for Cardiovascular phenotype. Last evaluated: 2025-12-03. Review status: criteria provided, single submitter. Criteria: Ambry Variant Classification Scheme 2023. Collection method: clinical testing. Allele origin: germline.
Comment: The c.850+5G>A intronic variant results from a G to A substitution 5 nucleotides after coding exon 4 in the FLNC gene. This nucleotide position is highly conserved in available vertebrate species. In silico splice site analysis predicts that this alteration will result in the creation or strengthening of a novel splice donor site. Based on the available evidence, the clinical significance of this variant remains unclear.

Labcorp Genetics (formerly Invitae), Labcorp
Classification: Uncertain significance for Distal myopathy with posterior leg and anterior hand involvement; Myofibrillar myopathy 5; Hypertrophic cardiomyopathy 26. Last evaluated: 2021-06-11. Review status: criteria provided, single submitter. Criteria: Invitae Variant Classification Sherloc (09022015). Collection method: clinical testing. Allele origin: germline.
Comment: In summary, the available evidence is currently insufficient to determine the role of this variant in disease. Therefore, it has been classified as a Variant of Uncertain Significance. Nucleotide substitutions within the consensus splice site are a relatively common cause of aberrant splicing (PMID: 17576681, 9536098). Algorithms developed to predict the effect of sequence changes on RNA splicing suggest that this variant may disrupt the consensus splice site, but this prediction has not been confirmed by published transcriptional studies. This variant has not been reported in the literature in individuals with FLNC-related conditions. This variant is not present in population databases (ExAC no frequency). This sequence change falls in intron 4 of the FLNC gene. It does not directly change the encoded amino acid sequence of the FLNC protein. It affects a nucleotide within the consensus splice site of the intron.

Literature cited by the submitters: PubMed 17576681 (cited by Labcorp Genetics (formerly Invitae), Labcorp); PubMed 9536098 (cited by Labcorp Genetics (formerly Invitae), Labcorp).

NM_001458.5(FLNC):c.850+5G>A

Gene: FLNC (filamin C; plus strand). Cytogenetic location: 7q32.1.
Variant type: single nucleotide variant.
Coding change: c.850+5G>A on transcript NM_001458.5 (MANE Select); 5 bases into the intron after coding-DNA position 850, G replaced by A.
Molecular consequence: intron variant.
Genome position (GRCh38, 1-based): chr7:128,837,553, G>A. VCF-style: chr7-128837553-G-A. GRCh37 (hg19) VCF-style: chr7-128477607-G-A.
Other names: c.850+5G>A (NM_001458.4, NM_001127487.2).
Identifiers: ClinVar variation 1512229 (VCV001512229.7), dbSNP rs2128934199, ClinGen allele CA2573141757.